The following is an entry in ClinVar:

NM_001393586.1(MYO7B):c.702A>G (p.Gln234=)

Gene: MYO7B (myosin VIIB; plus strand). Cytogenetic location: 2q14.3.
Variant type: single nucleotide variant.
Coding change: c.702A>G on transcript NM_001393586.1 (MANE Select); coding-DNA position 702, A replaced by G.
Protein change: p.Gln234=; no amino-acid change (glutamine 234 retained).
Molecular consequence: synonymous variant.
Genome position (GRCh38, 1-based): chr2:127,574,029, A>G. VCF-style: chr2-127574029-A-G. GRCh37 (hg19) VCF-style: chr2-128331604-A-G.
Other names: c.702A>G, p.Gln234= (NM_001080527.2).
Identifiers: ClinVar variation 3038652 (VCV003038652.2), dbSNP rs193069171, ClinGen allele CA1860508.

ClinVar aggregate classification (germline): Benign (0 of 4 stars; one submission).

Conditions:
MYO7B-related disorder. Also called: MYO7B-related condition.

Allele frequency attached by ClinVar (database versions not stated): gnomAD exomes 0.00058; ExAC 0.00207; gnomAD 0.00604; 1000 Genomes Project 0.00639; 1000 Genomes Project 30x 0.00656; TOPMed 0.00716; ESP Exome Variant Server 0.00750.
gnomAD v4.1: 1,793 of 1,613,950 alleles (0.11%); highest among the groups gnomAD compares: African/African-American, 2.1%; 18 homozygotes.

Submission:

PreventionGenetics, part of Exact Sciences
Classification: Benign for MYO7B-related condition. Last evaluated: 2019-03-04. Review status: no assertion criteria provided. Collection method: clinical testing. Allele origin: germline.
Comment: This variant is classified as benign based on ACMG/AMP sequence variant interpretation guidelines (Richards et al. 2015 PMID: 25741868, with internal and published modifications).